The following is an entry in ClinVar:

NM_000350.3(ABCA4):c.1317G>C (p.Trp439Cys)

Gene: ABCA4 (ATP binding cassette subfamily A member 4; minus strand). Cytogenetic location: 1p22.1.
Variant type: single nucleotide variant.
Coding change: c.1317G>C on transcript NM_000350.3 (MANE Select); coding-DNA position 1317, G replaced by C.
Protein change: p.Trp439Cys; replaces tryptophan 439 with cysteine.
Molecular consequence: missense variant.
Genome position (GRCh38, 1-based): chr1:94,078,629, C>G on the plus strand (G>C on the coding strand, the complement: ABCA4 is on the minus strand). VCF-style: chr1-94078629-C-G. GRCh37 (hg19) VCF-style: chr1-94544185-C-G.
Other names: c.1317G>C, p.Trp439Cys (NM_001425324.1); c.1317G>C (NM_000350.2); short protein forms W439C.
Identifiers: ClinVar variation 1390928 (VCV001390928.7), dbSNP rs61752391, ClinGen allele CA341282333.

ClinVar aggregate classification (germline): Uncertain significance. Review status: criteria provided, multiple submitters, no conflicts (2 of 4 stars). 3 submissions from 3 submitters: Uncertain significance (3). Last evaluated 2024-01-08.

Conditions:
Inborn genetic diseases. Identifiers: MedGen C0950123, MeSH D030342.

gnomAD v4.1: 71 of 1,422,552 alleles (0.005%); highest among the groups gnomAD compares: Admixed American, 0.14%; no homozygotes.

Submissions (3):

Ambry Genetics
Classification: Uncertain significance for Inborn genetic diseases. Last evaluated: 2024-01-08. Review status: criteria provided, single submitter. Criteria: Ambry Variant Classification Scheme 2023. Collection method: clinical testing. Allele origin: germline.

Labcorp Genetics (formerly Invitae), Labcorp
Classification: Uncertain significance. Last evaluated: 2022-08-16. Review status: criteria provided, single submitter. Criteria: Invitae Variant Classification Sherloc (09022015). Collection method: clinical testing. Allele origin: germline.
Comment: This sequence change replaces tryptophan, which is neutral and slightly polar, with cysteine, which is neutral and slightly polar, at codon 439 of the ABCA4 protein (p.Trp439Cys). This variant is present in population databases (no rsID available, gnomAD 0.06%). This variant has not been reported in the literature in individuals affected with ABCA4-related conditions. ClinVar contains an entry for this variant (Variation ID: 1390928). Advanced modeling of protein sequence and biophysical properties (such as structural, functional, and spatial information, amino acid conservation, physicochemical variation, residue mobility, and thermodynamic stability) performed at Invitae indicates that this missense variant is expected to disrupt ABCA4 protein function. In summary, the available evidence is currently insufficient to determine the role of this variant in disease. Therefore, it has been classified as a Variant of Uncertain Significance.

Blueprint Genetics
Classification: Uncertain significance. Last evaluated: 2021-05-11. Review status: criteria provided, single submitter. Criteria: ACMG Guidelines, 2015. Collection method: clinical testing. Allele origin: germline.